The following is an entry in ClinVar:

NM_000069.3(CACNA1S):c.3796-13G>A

Gene: CACNA1S (calcium voltage-gated channel subunit alpha1 S; minus strand). Cytogenetic location: 1q32.1.
Variant type: single nucleotide variant.
Coding change: c.3796-13G>A on transcript NM_000069.3 (MANE Select); 13 bases into the intron before coding-DNA position 3796, G replaced by A.
Molecular consequence: intron variant.
Genome position (GRCh38, 1-based): chr1:201,053,287, C>T on the plus strand (G>A on the coding strand, the complement: CACNA1S is on the minus strand). VCF-style: chr1-201053287-C-T. GRCh37 (hg19) VCF-style: chr1-201022415-C-T.
Identifiers: ClinVar variation 514901 (VCV000514901.10), dbSNP rs374572342, ClinGen allele CA082848.

ClinVar aggregate classification (germline): Likely benign. Review status: criteria provided, multiple submitters, no conflicts (2 of 4 stars). 9 submissions from 6 submitters: Likely benign (9). Last evaluated 2025-08-13.

Conditions:
Congenital myopathy 18. Also called: Myopathy, congenital, due to dihydropyridine receptor defect; DIHYDROPYRIDINE RECEPTOR CONGENITAL MYOPATHY; DHPR CONGENITAL MYOPATHY. Identifiers: MedGen C5830283, MONDO:0859514, OMIM 620246.
Hypokalemic periodic paralysis, type 1. Also called: HypoPP; Hypokalemic Periodic Paralysis Type 1 (AD). Identifiers: Orphanet 681, MedGen C3714580, MONDO:0042979, OMIM 170400.
Malignant hyperthermia, susceptibility to, 5 (MHS5). Also called: CACNA1S-Related Malignant Hyperthermia Susceptibility. Identifiers: Orphanet 423, MedGen C1866077, MONDO:0011163, OMIM 601887.
Thyrotoxic periodic paralysis, susceptibility to, 1 (TTPP1). Identifiers: Orphanet 79102, MedGen C2749982, MONDO:0008570, OMIM 188580.

Allele frequency attached by ClinVar (database versions not stated): gnomAD exomes 0.00004 and 0.00005; TOPMed 0.00004; ExAC 0.00005; gnomAD 0.00006 and 0.00007; ESP Exome Variant Server 0.00008.
gnomAD v4.1: 68 of 1,611,908 alleles (0.0042%); highest among the groups gnomAD compares: Middle Eastern, 0.017%; no homozygotes.

Submissions (9):

Labcorp Genetics (formerly Invitae), Labcorp
Classification: Likely benign for Hypokalemic periodic paralysis, type 1; Malignant hyperthermia, susceptibility to, 5. Last evaluated: 2025-08-13. Review status: criteria provided, single submitter. Criteria: Invitae Variant Classification Sherloc (09022015). Collection method: clinical testing. Allele origin: germline.

All of Us Research Program, National Institutes of Health
Classification: Likely benign for Malignant hyperthermia, susceptibility to, 5. Last evaluated: 2024-01-11. Review status: criteria provided, single submitter. Criteria: ACMG Guidelines, 2015. Collection method: clinical testing. Allele origin: germline. Inheritance: Autosomal dominant inheritance. Observed: 14 variant alleles, 14 heterozygotes.
Comment: This study involves interpretation of variants in research participants for the purpose of population health screening. Participant phenotype was not available at the time of variant classification. Additional details can be found in publication PMID: 35346344, PMCID: PMC8962531

Genome-Nilou Lab
Classification: Likely benign for Malignant hyperthermia, susceptibility to, 5. Last evaluated: 2023-04-11. Review status: criteria provided, single submitter. Criteria: ACMG Guidelines, 2015. Collection method: clinical testing. Allele origin: germline. Affected: no.

Genome-Nilou Lab
Classification: Likely benign for Thyrotoxic periodic paralysis, susceptibility to, 1. Last evaluated: 2023-04-11. Review status: criteria provided, single submitter. Criteria: ACMG Guidelines, 2015. Collection method: clinical testing. Allele origin: germline. Affected: no.

Genome-Nilou Lab
Classification: Likely benign for Congenital myopathy 18. Last evaluated: 2023-04-11. Review status: criteria provided, single submitter. Criteria: ACMG Guidelines, 2015. Collection method: clinical testing. Allele origin: germline. Affected: no.

Genome-Nilou Lab
Classification: Likely benign for Hypokalemic periodic paralysis, type 1. Last evaluated: 2023-04-11. Review status: criteria provided, single submitter. Criteria: ACMG Guidelines, 2015. Collection method: clinical testing. Allele origin: germline. Affected: no.

Color Diagnostics, LLC DBA Color Health
Classification: Likely benign for Malignant hyperthermia, susceptibility to, 5. Last evaluated: 2022-11-28. Review status: criteria provided, single submitter. Criteria: ACMG Guidelines, 2015. Collection method: clinical testing. Allele origin: germline.

Fulgent Genetics
Classification: Likely benign for Hypokalemic periodic paralysis, type 1; Thyrotoxic periodic paralysis, susceptibility to, 1; Malignant hyperthermia, susceptibility to, 5. Last evaluated: 2021-12-16. Review status: criteria provided, single submitter. Criteria: ACMG Guidelines, 2015. Collection method: clinical testing. Allele origin: unknown.

GeneDx
Classification: Likely benign. Last evaluated: 2018-02-08. Review status: criteria provided, single submitter. Criteria: GeneDx Variant Classification (06012015). Collection method: clinical testing. Allele origin: germline. Affected: yes.
Comment: This variant is considered likely benign or benign based on one or more of the following criteria: it is a conservative change, it occurs at a poorly conserved position in the protein, it is predicted to be benign by multiple in silico algorithms, and/or has population frequency not consistent with disease.